The following is an entry in ClinVar:

ClinVar aggregate classification (germline): Conflicting classifications of pathogenicity. Review status: criteria provided, conflicting classifications (1 of 4 stars). 2 submissions from 2 submitters: Uncertain significance (1); Likely benign (1). Last evaluated 2024-12-12.

Conditions:
Inborn genetic diseases. Identifiers: MedGen C0950123, MeSH D030342.

gnomAD v4.1: 6 of 1,573,294 alleles (0.00038%); highest among the groups gnomAD compares: South Asian, 0.0046%; no homozygotes.

Submissions (2):

Ambry Genetics
Classification: Likely benign for Inborn genetic diseases. Last evaluated: 2024-12-12. Review status: criteria provided, single submitter. Criteria: Ambry Variant Classification Scheme 2023. Collection method: clinical testing. Allele origin: germline.

Labcorp Genetics (formerly Invitae), Labcorp
Classification: Uncertain significance. Last evaluated: 2024-10-11. Review status: criteria provided, single submitter. Criteria: Invitae Variant Classification Sherloc (09022015). Collection method: clinical testing. Allele origin: germline.
Comment: This sequence change replaces alanine, which is neutral and non-polar, with threonine, which is neutral and polar, at codon 102 of the KDM1A protein (p.Ala102Thr). This variant is present in population databases (rs780428480, gnomAD 0.01%). This variant has not been reported in the literature in individuals affected with KDM1A-related conditions. Invitae Evidence Modeling of protein sequence and biophysical properties (such as structural, functional, and spatial information, amino acid conservation, physicochemical variation, residue mobility, and thermodynamic stability) indicates that this missense variant is not expected to disrupt KDM1A protein function with a negative predictive value of 80%. In summary, the available evidence is currently insufficient to determine the role of this variant in disease. Therefore, it has been classified as a Variant of Uncertain Significance.

NM_001009999.3(KDM1A):c.304G>A (p.Ala102Thr)

Gene: KDM1A (lysine demethylase 1A; plus strand). Cytogenetic location: 1p36.12.
Variant type: single nucleotide variant.
Coding change: c.304G>A on transcript NM_001009999.3 (MANE Select); coding-DNA position 304, G replaced by A.
Protein change: p.Ala102Thr; replaces alanine 102 with threonine.
Molecular consequence: missense variant.
Genome position (GRCh38, 1-based): chr1:23,019,900, G>A. VCF-style: chr1-23019900-G-A. GRCh37 (hg19) VCF-style: chr1-23346393-G-A.
Other names: c.304G>A, p.Ala102Thr (NM_001363654.2, NM_001410763.1, NM_015013.4 and 1 more transcripts); c.304G>A (NM_001009999.2); short protein forms A102T.
Identifiers: ClinVar variation 3688770 (VCV003688770.3).